The following is an entry in ClinVar:

NM_001845.6(COL4A1):c.4028C>T (p.Pro1343Leu)

Gene: COL4A1 (collagen type IV alpha 1 chain; minus strand). Cytogenetic location: 13q34.
Variant type: single nucleotide variant.
Coding change: c.4028C>T on transcript NM_001845.6 (MANE Select); coding-DNA position 4028, C replaced by T.
Protein change: p.Pro1343Leu; replaces proline 1343 with leucine.
Molecular consequence: missense variant.
Genome position (GRCh38, 1-based): chr13:110,164,984, G>A on the plus strand (C>T on the coding strand, the complement: COL4A1 is on the minus strand). VCF-style: chr13-110164984-G-A. GRCh37 (hg19) VCF-style: chr13-110817331-G-A.
Other names: short protein forms P1343L.
Identifiers: ClinVar variation 3016508 (VCV003016508.3), dbSNP rs780881275, ClinGen allele CA7047039.
Genomic context (GRCh38, chr13:110,164,984, plus strand): 5'-CCAGGGAGCCCGGGCTCCCCTTTGATGATGTCGTAAGGACCTGGGGGGCCAGGAGGACCC[G>A]GGAGACCTGTGGGAATAGGGAAGGCATTGATCAATTTCACTGTCCACATACTGGGGCGGA-3'
Protein context (NP_001836.3, residues 1333-1353): DQGVPGAKGL[Pro1343Leu]GPPGPPGPYD

ClinVar aggregate classification (germline): Uncertain significance (1 of 4 stars; one submission).

Allele frequency attached by ClinVar (database versions not stated): gnomAD 0.00001; gnomAD exomes 0.00001; TOPMed 0.00001.
gnomAD v4.1: 15 of 1,604,140 alleles (0.00094%); highest among the groups gnomAD compares: East Asian, 0.0022%; no homozygotes.

Submission:

Labcorp Genetics (formerly Invitae), Labcorp
Classification: Uncertain significance. Last evaluated: 2022-11-02. Review status: criteria provided, single submitter. Criteria: Invitae Variant Classification Sherloc (09022015). Collection method: clinical testing. Allele origin: germline.
Comment: In summary, the available evidence is currently insufficient to determine the role of this variant in disease. Therefore, it has been classified as a Variant of Uncertain Significance. Algorithms developed to predict the effect of missense changes on protein structure and function are either unavailable or do not agree on the potential impact of this missense change (SIFT: "Tolerated"; PolyPhen-2: "Possibly Damaging"; Align-GVGD: "Class C0"). This variant has not been reported in the literature in individuals affected with COL4A1-related conditions. The frequency data for this variant in the population databases is considered unreliable, as metrics indicate poor data quality at this position in the gnomAD database. This sequence change replaces proline, which is neutral and non-polar, with leucine, which is neutral and non-polar, at codon 1343 of the COL4A1 protein (p.Pro1343Leu).